The following is an entry in ClinVar:

ClinVar aggregate classification (germline): Uncertain significance. Review status: criteria provided, multiple submitters, no conflicts (2 of 4 stars). 11 submissions from 10 submitters: Uncertain significance (10). 1 of the submissions does not count toward it. Last evaluated 2026-09-21.

Conditions:
Cardiovascular phenotype. Identifiers: MedGen CN230736.
Walker-Warburg congenital muscular dystrophy. Also called: Muscular dystrophy-dystroglycanopathy, type A; Walker-Warburg syndrome. Identifiers: Orphanet 899, MedGen C0265221, MONDO:0000171.
Muscular dystrophy-dystroglycanopathy (congenital with brain and eye anomalies), type A, 4 (MDDGA4). Also called: WALKER-WARBURG SYNDROME OR MUSCLE-EYE-BRAIN DISEASE, FKTN-RELATED; Congenital muscular dystrophy-dystroglycanopathy with brain and eye anomalies, type A4; Muscular dystrophy, congenital progressive, with mental retardation; Muscular dystrophy, congenital, with central nervous system involvement; Cerebromuscular dystrophy, Fukuyama type; Fukuyama congenital muscular dystrophy. Identifiers: Orphanet 272, Orphanet 588, Orphanet 899, MedGen C0410174, MONDO:0009678, OMIM 253800.
Dilated cardiomyopathy 1X (CMD1X). Also called: CARDIOMYOPATHY, DILATED, WITH MILD OR NO PROXIMAL MUSCLE WEAKNESS; FKTN-Related Dilated Cardiomyopathy. Identifiers: Orphanet 154, MedGen C1969024, MONDO:0012704, OMIM 611615.
Muscular dystrophy-dystroglycanopathy (congenital without impaired intellectual development), type B, 4. Also called: Muscular dystrophy-dystroglycanopathy (congenital without intellectual disability), type B4; MUSCULAR DYSTROPHY, CONGENITAL, FKTN-RELATED. Identifiers: MedGen C2751052, MONDO:0013156, OMIM 613152.
Autosomal recessive limb-girdle muscular dystrophy type 2M. Also called: MUSCULAR DYSTROPHY-DYSTROGLYCANOPATHY (LIMB-GIRDLE), TYPE C, 4; MUSCULAR DYSTROPHY, LIMB-GIRDLE, TYPE 2M. Identifiers: Orphanet 206554, MedGen C1969040, MONDO:0012699, OMIM 611588.

Allele frequency attached by ClinVar (database versions not stated): TOPMed 0.00003; ESP Exome Variant Server 0.00015.
gnomAD v4.1: 156 of 1,612,224 alleles (0.0097%); highest among the groups gnomAD compares: Admixed American, 0.013%; no homozygotes.

Submissions (11):

Molecular Diagnostic Laboratory for Inherited Cardiovascular Disease, Montreal Heart Institute
Classification: Uncertain significance for Cardiovascular phenotype. Last evaluated: 2026-09-21. Review status: criteria provided, single submitter. Criteria: ACMG Guidelines, 2015. Collection method: clinical testing. Allele origin: germline. Affected: yes.
Comment: PM2

Mayo Clinic Laboratories, Mayo Clinic
Classification: Uncertain significance. Last evaluated: 2024-08-15. Review status: criteria provided, single submitter. Criteria: ACMG Guidelines, 2015. Collection method: clinical testing. Allele origin: germline. Observed: 1 variant allele.
Comment: the same text as in the submission from Molecular Diagnostic Laboratory for Inherited Cardiovascular Disease, Montreal Heart Institute above.

Fulgent Genetics
Classification: Uncertain significance for Muscular dystrophy-dystroglycanopathy (congenital with brain and eye anomalies), type A, 4; Autosomal recessive limb-girdle muscular dystrophy type 2M; Dilated cardiomyopathy 1X; Muscular dystrophy-dystroglycanopathy (congenital without impaired intellectual development), type B, 4. Last evaluated: 2024-04-18. Review status: criteria provided, single submitter. Criteria: ACMG Guidelines, 2015. Collection method: clinical testing. Allele origin: germline.

Revvity Omics, Revvity
Classification: Uncertain significance. Last evaluated: 2023-12-19. Review status: criteria provided, single submitter. Criteria: ACMG Guidelines, 2015. Collection method: clinical testing. Allele origin: germline.

Ambry Genetics
Classification: Uncertain significance for Cardiovascular phenotype. Last evaluated: 2023-10-13. Review status: criteria provided, single submitter. Criteria: Ambry Variant Classification Scheme 2023. Collection method: clinical testing. Allele origin: germline.
Comment: The p.G125V variant (also known as c.374G>T), located in coding exon 4 of the FKTN gene, results from a G to T substitution at nucleotide position 374. The glycine at codon 125 is replaced by valine, an amino acid with dissimilar properties. This alteration has been reported in a sudden unexplained death cohort, an ocular disorders cohort, and a dilated cardiomyopathy (DCM) cohort (Lahrouchi N et al. Eur J Hum Genet, 2020 Jan;28:17-22; Mazzarotto F et al. Circulation, 2020 Feb;141:387-398; Deml B et al. Eur J Hum Genet, 2016 Apr;24:535-41). This amino acid position is not well conserved in available vertebrate species. In addition, the in silico prediction for this alteration is inconclusive. Since supporting evidence is limited at this time, the clinical significance of this alteration remains unclear.

GeneDx
Classification: Uncertain significance. Last evaluated: 2022-09-27. Review status: criteria provided, single submitter. Criteria: GeneDx Variant Classification Process June 2021. Collection method: clinical testing. Allele origin: germline. Affected: yes.
Comment: Has not been previously published as pathogenic or benign to our knowledge in association with a cardiac phenotype; Not observed at significant frequency in large population cohorts (gnomAD); In silico analysis, which includes protein predictors and evolutionary conservation, supports a deleterious effect; This variant is associated with the following publications: (PMID: 26130484, 31534214)

Labcorp Genetics (formerly Invitae), Labcorp
Classification: Uncertain significance for Walker-Warburg congenital muscular dystrophy. Last evaluated: 2022-08-31. Review status: criteria provided, single submitter. Criteria: Invitae Variant Classification Sherloc (09022015). Collection method: clinical testing. Allele origin: germline.
Comment: This sequence change replaces glycine, which is neutral and non-polar, with valine, which is neutral and non-polar, at codon 125 of the FKTN protein (p.Gly125Val). The frequency data for this variant in the population databases is considered unreliable, as metrics indicate poor data quality at this position in the gnomAD database. This missense change has been observed in individual(s) with anophthalmia/microphthalmia or coloboma (PMID: 26130484). ClinVar contains an entry for this variant (Variation ID: 288016). Algorithms developed to predict the effect of missense changes on protein structure and function (SIFT, PolyPhen-2, Align-GVGD) all suggest that this variant is likely to be tolerated. In summary, the available evidence is currently insufficient to determine the role of this variant in disease. Therefore, it has been classified as a Variant of Uncertain Significance.

Illumina Laboratory Services, Illumina
Classification: Uncertain significance for Dilated cardiomyopathy 1X. Last evaluated: 2018-01-13. Review status: criteria provided, single submitter. Criteria: ICSL Variant Classification Criteria 13 December 2019. Collection method: clinical testing. Allele origin: germline.

Illumina Laboratory Services, Illumina
Classification: Uncertain significance for Muscular dystrophy-dystroglycanopathy (congenital with brain and eye anomalies), type A, 4. Last evaluated: 2018-01-13. Review status: criteria provided, single submitter. Criteria: ICSL Variant Classification Criteria 13 December 2019. Collection method: clinical testing. Allele origin: germline.

Eurofins Ntd Llc (ga)
Classification: Uncertain significance. Last evaluated: 2017-05-05. Review status: criteria provided, single submitter. Criteria: EGL Classification Definitions 2015. Collection method: clinical testing. Allele origin: germline. Observed: 2 variant alleles, 2 heterozygotes.

Natera, Inc.
Classification: Uncertain significance for Walker-Warburg congenital muscular dystrophy. Last evaluated: 2020-06-22. Review status: no assertion criteria provided. Collection method: clinical testing. Allele origin: germline. Not counted in ClinVar's aggregate classification.

Literature cited by the submitters: PubMed 26130484 (cited by 3 submitters); PubMed 31534214 (cited by Mayo Clinic Laboratories, Mayo Clinic and Ambry Genetics); PubMed 31983221 (cited by Mayo Clinic Laboratories, Mayo Clinic and Ambry Genetics).

NM_001079802.2(FKTN):c.374G>T (p.Gly125Val)

Gene: FKTN (fukutin; plus strand). Cytogenetic location: 9q31.2.
Variant type: single nucleotide variant.
Coding change: c.374G>T on transcript NM_001079802.2 (MANE Select); coding-DNA position 374, G replaced by T.
Protein change: p.Gly125Val; replaces glycine 125 with valine.
Molecular consequence: missense variant. On other transcripts: 5 prime UTR variant (4), non-coding transcript variant (2).
Genome position (GRCh38, 1-based): chr9:105,604,219, G>T. VCF-style: chr9-105604219-G-T. GRCh37 (hg19) VCF-style: chr9-108366500-G-T.
Other names: p.Gly125Val; c.374G>T, p.Gly125Val (NM_001198963.2, NM_001351496.2, NM_001351498.2 and 1 more transcripts); c.305G>T, p.Gly102Val (NM_001351497.2); c.-23G>T (NM_001351499.2, NM_001351500.2, NM_001351501.2 and 1 more transcripts); short protein forms G125V, G102V.
Identifiers: ClinVar variation 288016 (VCV000288016.27), dbSNP rs142783718, ClinGen allele CA5170396.
Genomic context (GRCh38, chr9:105,604,219, plus strand): 5'-TAAATATTCAATGTTTAAGTGTTGTTTCTTGATGTTTGATGCTTCTTTGGTTCTAGGAAG[G>T]CTGGTTTCGGATAGCTGAGAATATGGGATTTCAGTGCCTAAAGATTGAGAGTAAAGATCC-3'
Protein context (NP_001073270.1, residues 115-135): LQYHLWKNEE[Gly125Val]WFRIAENMGF